The following is an entry in ClinVar:

NM_000059.4(BRCA2):c.8754+791C>T

Gene: BRCA2 (BRCA2 DNA repair associated; plus strand). Cytogenetic location: 13q13.1.
Variant type: single nucleotide variant.
Coding change: c.8754+791C>T on transcript NM_000059.4 (MANE Select); 791 bases into the intron after coding-DNA position 8754, C replaced by T.
Molecular consequence: intron variant.
Genome position (GRCh38, 1-based): chr13:32,377,582, C>T. VCF-style: chr13-32377582-C-T. GRCh37 (hg19) VCF-style: chr13-32951719-C-T.
Identifiers: ClinVar variation 264956 (VCV000264956.1), dbSNP rs11571761, ClinGen allele CA10588152.

ClinVar aggregate classification (germline): Benign (3 of 4 stars; one submission).

Conditions:
Breast-ovarian cancer, familial, susceptibility to, 2 (BROVCA2). Also called: BRCA2 Hereditary Breast and Ovarian Cancer. Identifiers: Orphanet 145, MedGen C2675520, MONDO:0012933, OMIM 612555. Disease mechanism: loss of function.

Allele frequency attached by ClinVar (database versions not stated): TOPMed 0.00807; 1000 Genomes Project 0.00899; 1000 Genomes Project 30x 0.00984; gnomAD 0.01201 and 0.01288.
gnomAD v4.1: 1,029 of 87,026 alleles (1.2%); highest among the groups gnomAD compares: African/African-American, 4.3%; 15 homozygotes.

Submission:

Evidence-based Network for the Interpretation of Germline Mutant Alleles (ENIGMA)
Classification: Benign for Breast-ovarian cancer, familial, susceptibility to, 2. Last evaluated: 2016-09-28. Review status: reviewed by expert panel. Criteria: ENIGMA BRCA1/2 Classification Criteria (2015). Collection method: curation. Allele origin: germline.
Comment: Class 1 not pathogenic based on frequency >1% in an outbred sampleset. Frequency 0.0333 (African), derived from 1000 genomes (2013-05-02).